The following is an entry in ClinVar:

NM_000169.3(GLA):c.1182del (p.Phe396fs)

Genes: GLA (galactosidase alpha; minus strand), RPL36A-HNRNPH2 (RPL36A-HNRNPH2 readthrough; plus strand). Cytogenetic location: Xq22.1.
Variant type: Deletion.
Coding change: c.1182del on transcript NM_000169.3 (MANE Select); coding-DNA position 1182, one base deleted (A; older notation c.1182delA).
Protein change: p.Phe396fs; shifts the reading frame from phenylalanine 396.
Molecular consequence: frameshift variant. On other transcripts: non-coding transcript variant (3), intron variant (2).
Genome position (GRCh38, 1-based): chrX:101,397,917, T deleted on the plus strand (A on the coding strand, the reverse complement: GLA is on the minus strand). VCF-style (leftmost placement, unchanged base first): chrX-101397916-CT-C. GRCh37 (hg19) VCF-style: chrX-100652904-CT-C.
Other names: c.1305del, p.Phe437fs (NM_001406747.1); c.300+2460del (NM_001199973.2); c.177+6095del (NM_001199974.2); short protein forms F396fs, F437fs.
Identifiers: ClinVar variation 4087074 (VCV004087074.2).

ClinVar aggregate classification (germline): Pathogenic (1 of 4 stars; one submission).

Conditions:
Fabry disease. Also called: ALPHA-GALACTOSIDASE A DEFICIENCY; ANDERSON-FABRY DISEASE; CERAMIDE TRIHEXOSIDASE DEFICIENCY; GLA DEFICIENCY; HEREDITARY DYSTOPIC LIPIDOSIS; Angiokeratoma corporis diffusum. Identifiers: Orphanet 324, MedGen C0002986, MONDO:0010526, OMIM 301500, HP:0001071. Disease mechanism: Fabry disease is due to inactivating mutations in the X-linked GLA gene resulting in deficiency of the enzyme Alpha Galactosidase-A., loss of function.

Submission:

Genomenon, Inc
Classification: Pathogenic for Fabry disease. Last evaluated: 2026-09-08. Review status: criteria provided, single submitter. Criteria: Genomenon Sequence Variant Interpretation Standards - Updated. Collection method: curation. Allele origin: germline. Affected: yes.
Comment: GLA p.Phe396SerfsTer8 (c.1182del) is a frameshift variant that is predicted to introduce a premature termination codon and result in a truncated or absent protein product. This variant has been observed in at least one proband with clinical features consistent with Fabry disease (PMID:29631605). A de novo occurrence of this variant has been observed in at least one affected individual (PMID:29631605). Functional or patient cell studies have been reported (PMID:29631605). It is absent or not present at a significant frequency in gnomAD. In conclusion, we classify GLA p.Phe396SerfsTer8 (c.1182del) as a pathogenic variant.

Literature cited by the submitters: PubMed 29631605.